The following is an entry in ClinVar:

ClinVar aggregate classification (germline): Uncertain significance (1 of 4 stars; one submission).

Conditions:
Infantile cerebral and cerebellar atrophy with postnatal progressive microcephaly (MSBA). Identifiers: Orphanet 402364, MedGen C3150921, MONDO:0013351, OMIM 613668.

Allele frequency attached by ClinVar (database versions not stated): ExAC 0.00001; gnomAD exomes 0.00001 and 0.00002.
gnomAD v4.1: 9 of 1,613,378 alleles (0.00056%); highest among the groups gnomAD compares: South Asian, 0.0099%; no homozygotes.

Submission:

Baylor Genetics
Classification: Uncertain significance for Infantile cerebral and cerebellar atrophy with postnatal progressive microcephaly. Last evaluated: 2019-01-17. Review status: criteria provided, single submitter. Criteria: ACMG Guidelines, 2015. Collection method: clinical testing. Allele origin: paternal. Affected: yes.
Comment: This variant was determined to be of uncertain significance according to ACMG Guidelines, 2015 [PMID:25741868].

NM_004268.5(MED17):c.1298A>T (p.Lys433Ile)

Gene: MED17 (mediator complex subunit 17; plus strand). Cytogenetic location: 11q21.
Variant type: single nucleotide variant.
Coding change: c.1298A>T on transcript NM_004268.5 (MANE Select); coding-DNA position 1298, A replaced by T.
Protein change: p.Lys433Ile; replaces lysine 433 with isoleucine.
Molecular consequence: missense variant.
Genome position (GRCh38, 1-based): chr11:93,797,689, A>T. VCF-style: chr11-93797689-A-T. GRCh37 (hg19) VCF-style: chr11-93530855-A-T.
Other names: short protein forms K433I.
Identifiers: ClinVar variation 1029809 (VCV001029809.1), dbSNP rs760909439, ClinGen allele CA6232569.